The following is an entry in ClinVar:

ClinVar aggregate classification (germline): Pathogenic. Review status: criteria provided, single submitter (1 of 4 stars). 2 submissions from 2 submitters: Pathogenic (1). 1 of the submissions does not count toward it. Last evaluated 2025-03-17.

Conditions:
Autosomal recessive juvenile Parkinson disease 2. Also called: PRKN-Related Early-Onset Parkinson Disease; Parkinson disease, juvenile, type 2; PARKINSON DISEASE, JUVENILE, AUTOSOMAL RECESSIVE; Parkinson disease autosomal recessive, early onset; Juvenile parkinsonism; Parkinsonism, early onset, with diurnal fluctuation. Identifiers: Orphanet 2828, MedGen C1868675, MONDO:0010820, OMIM 600116.

Submissions (2):

First Genomix Gene Laboratory, Genetic Diagnostics Department
Classification: Pathogenic for Autosomal recessive juvenile Parkinson disease 2. Last evaluated: 2025-03-17. Review status: criteria provided, single submitter. Criteria: ACMG Guidelines, 2015. Collection method: clinical testing. Allele origin: germline. Inheritance: Autosomal recessive inheritance. Affected: no. Observed: 1 variant allele.

OMIM
Classification: Pathogenic for PARKINSON DISEASE 2, AUTOSOMAL RECESSIVE JUVENILE. Last evaluated: 2006-03-01. Review status: no assertion criteria provided. Collection method: literature only. Allele origin: germline. Not counted in ClinVar's aggregate classification.

Literature cited by the submitters: PubMed 16328510 (cited by OMIM).

NM_004562.3(PRKN):c.7+1G>T

Genes: PACRG (parkin coregulated; plus strand), PRKN (parkin RBR E3 ubiquitin protein ligase; minus strand). Cytogenetic location: 6q26.
Variant type: single nucleotide variant.
Coding change: c.7+1G>T on transcript NM_004562.3 (MANE Select); the canonical splice donor site of the intron after coding-DNA position 7, G replaced by T.
Molecular consequence: splice donor variant. On other transcripts: intron variant (2).
Genome position (GRCh38, 1-based): chr6:162,727,661, C>A on the plus strand (G>T on the coding strand, the complement: PRKN is on the minus strand). VCF-style: chr6-162727661-C-A. GRCh37 (hg19) VCF-style: chr6-163148693-C-A.
Other names: IVS1DS, G-T, +1; c.7+1G>T (NM_013988.3, NM_013987.3); c.-77+382C>A (NM_152410.3, NM_001080378.2).
Identifiers: ClinVar variation 7053 (VCV000007053.6), dbSNP rs397518439, ClinGen allele CA254088.